The following is an entry in ClinVar:

ClinVar aggregate classification (germline): Uncertain significance. Review status: criteria provided, multiple submitters, no conflicts (2 of 4 stars). 3 submissions from 3 submitters: Uncertain significance (3). Last evaluated 2025-01-17.

Conditions:
Retinoblastoma (RB1). Also called: RETINOBLASTOMA, SOMATIC. Identifiers: Orphanet 790, MedGen C0035335, MeSH D012175, MONDO:0008380, OMIM 180200, HP:0009919. Disease mechanism: loss of function. Inheritance: Both sporadic and heritable forms are tested..
Hereditary cancer-predisposing syndrome. Also called: Neoplastic Syndromes, Hereditary; Tumor predisposition; Hereditary Cancer Syndrome; Hereditary neoplastic syndrome. Identifiers: Orphanet 140162, MedGen C0027672, MeSH D009386, MONDO:0015356.

gnomAD v4.1: 2 of 1,467,928 alleles (0.00014%); highest among the groups gnomAD compares: Non-Finnish European, 0.000089%; no homozygotes.

Submissions (3):

Ambry Genetics
Classification: Uncertain significance for Hereditary cancer-predisposing syndrome. Last evaluated: 2025-01-17. Review status: criteria provided, single submitter. Criteria: Ambry Variant Classification Scheme 2023. Collection method: clinical testing. Allele origin: germline.
Comment: The p.S37R variant (also known as c.109A>C), located in coding exon 1 of the RB1 gene, results from an A to C substitution at nucleotide position 109. The serine at codon 37 is replaced by arginine, an amino acid with dissimilar properties. This amino acid position is highly conserved in available vertebrate species. In addition, the in silico prediction for this alteration is inconclusive. Based on the available evidence, the clinical significance of this variant remains unclear.

Labcorp Genetics (formerly Invitae), Labcorp
Classification: Uncertain significance for Retinoblastoma. Last evaluated: 2024-09-09. Review status: criteria provided, single submitter. Criteria: Invitae Variant Classification Sherloc (09022015). Collection method: clinical testing. Allele origin: germline.
Comment: This sequence change replaces serine, which is neutral and polar, with arginine, which is basic and polar, at codon 37 of the RB1 protein (p.Ser37Arg). This variant is not present in population databases (gnomAD no frequency). This variant has not been reported in the literature in individuals affected with RB1-related conditions. ClinVar contains an entry for this variant (Variation ID: 527902). Invitae Evidence Modeling of protein sequence and biophysical properties (such as structural, functional, and spatial information, amino acid conservation, physicochemical variation, residue mobility, and thermodynamic stability) has been performed for this missense variant. However, the output from this modeling did not meet the statistical confidence thresholds required to predict the impact of this variant on RB1 protein function. In summary, the available evidence is currently insufficient to determine the role of this variant in disease. Therefore, it has been classified as a Variant of Uncertain Significance.

All of Us Research Program, National Institutes of Health
Classification: Uncertain significance for Retinoblastoma. Last evaluated: 2024-03-05. Review status: criteria provided, single submitter. Criteria: ACMG Guidelines, 2015. Collection method: clinical testing. Allele origin: germline. Inheritance: Autosomal dominant inheritance. Observed: 1 variant allele, 1 heterozygote.
Comment: This study involves interpretation of variants in research participants for the purpose of population health screening. Participant phenotype was not available at the time of variant classification. Additional details can be found in publication PMID: 35346344, PMCID: PMC8962531

NM_000321.3(RB1):c.109A>C (p.Ser37Arg)

Gene: RB1 (RB transcriptional corepressor 1; plus strand). Cytogenetic location: 13q14.2.
Variant type: single nucleotide variant.
Coding change: c.109A>C on transcript NM_000321.3 (MANE Select); coding-DNA position 109, A replaced by C.
Protein change: p.Ser37Arg; replaces serine 37 with arginine.
Molecular consequence: missense variant.
Genome position (GRCh38, 1-based): chr13:48,304,021, A>C. VCF-style: chr13-48304021-A-C. GRCh37 (hg19) VCF-style: chr13-48878157-A-C.
Other names: short protein forms S37R.
Identifiers: ClinVar variation 527902 (VCV000527902.11), dbSNP rs896487590, ClinGen allele CA388250346.